The following is an entry in ClinVar:

ClinVar aggregate classification (germline): Uncertain significance (1 of 4 stars; one submission).

Allele frequency attached by ClinVar (database versions not stated): TOPMed below 0.00001.
gnomAD v4.1: 1 of 1,613,972 alleles (0.000062%); highest among the groups gnomAD compares: Non-Finnish European, 0.000085%; no homozygotes.

Submission:

Labcorp Genetics (formerly Invitae), Labcorp
Classification: Uncertain significance. Last evaluated: 2022-07-30. Review status: criteria provided, single submitter. Criteria: Invitae Variant Classification Sherloc (09022015). Collection method: clinical testing. Allele origin: germline.
Comment: This sequence change replaces valine, which is neutral and non-polar, with leucine, which is neutral and non-polar, at codon 760 of the PNPT1 protein (p.Val760Leu). In summary, the available evidence is currently insufficient to determine the role of this variant in disease. Therefore, it has been classified as a Variant of Uncertain Significance. Advanced modeling of protein sequence and biophysical properties (such as structural, functional, and spatial information, amino acid conservation, physicochemical variation, residue mobility, and thermodynamic stability) performed at Invitae indicates that this missense variant is not expected to disrupt PNPT1 protein function. This variant has not been reported in the literature in individuals affected with PNPT1-related conditions. This variant is not present in population databases (gnomAD no frequency).

NM_033109.5(PNPT1):c.2278G>C (p.Val760Leu)

Gene: PNPT1 (polyribonucleotide nucleotidyltransferase 1; minus strand). Cytogenetic location: 2p16.1.
Variant type: single nucleotide variant.
Coding change: c.2278G>C on transcript NM_033109.5 (MANE Select); coding-DNA position 2278, G replaced by C.
Protein change: p.Val760Leu; replaces valine 760 with leucine.
Molecular consequence: missense variant.
Genome position (GRCh38, 1-based): chr2:55,636,311, C>G on the plus strand (G>C on the coding strand, the complement: PNPT1 is on the minus strand). VCF-style: chr2-55636311-C-G. GRCh37 (hg19) VCF-style: chr2-55863446-C-G.
Other names: short protein forms V760L.
Identifiers: ClinVar variation 1714480 (VCV001714480.5), dbSNP rs1340851603, ClinGen allele CA346923237.